The following is an entry in ClinVar:

NM_005032.7(PLS3):c.367+2T>C

Gene: PLS3 (plastin 3; plus strand). Cytogenetic location: Xq23.
Variant type: single nucleotide variant.
Coding change: c.367+2T>C on transcript NM_005032.7 (MANE Select); the canonical splice donor site of the intron after coding-DNA position 367, T replaced by C.
Molecular consequence: splice donor variant.
Genome position (GRCh38, 1-based): chrX:115,629,329, T>C. VCF-style: chrX-115629329-T-C. GRCh37 (hg19) VCF-style: chrX-114863641-T-C.
Other names: NC_000023.10:g.114863641T>C; c.301+2T>C (NM_001282337.2); c.232+2T>C (NM_001282338.2); c.367+2T>C (NM_001136025.5); c.286+2T>C (NM_001172335.3).
Identifiers: ClinVar variation 1687459 (VCV001687459.2), dbSNP rs2147533064, ClinGen allele CA414333195.

ClinVar aggregate classification (germline): Likely pathogenic (1 of 4 stars; one submission).

Conditions:
Bone mineral density quantitative trait locus 18 (BMND18). Also called: OSTEOPOROSIS AND OSTEOPOROTIC FRACTURES, SUSCEPTIBILITY TO; Bone mineral density QTL18, osteoporosis. Identifiers: Orphanet 391330, MedGen C3806712, OMIM 300910.

Submissions (2):

3billion
Classification: Likely pathogenic for Bone mineral density quantitative trait locus 18. Last evaluated: 2022-05-22. Review status: criteria provided, single submitter. Criteria: ACMG Guidelines, 2015. Collection method: clinical testing. Allele origin: germline. Affected: yes. Observed: 1 hemizygote.
Comment: Substitution at the splicing junction produces an abnormal splicing effect, which is expected to cause a loss of normal protein function via nonsense-mediated mRNA decay. It is absent from the gnomAD v2.1.1 dataset. Therefore, this variant is classified as likely pathogenic according to the recommendation of ACMG/AMP guideline.

Dr. Peter K. Rogan Lab, Western University
No classification provided (evidence only). Condition: Nonpapillary renal cell carcinoma. Review status: no classification provided. Collection method: in vitro. Allele origin: not applicable. Functional consequence: retained intron. Not counted in ClinVar's aggregate classification.